The following is an entry in ClinVar:

ClinVar aggregate classification (germline): Uncertain significance. Review status: criteria provided, multiple submitters, no conflicts (2 of 4 stars). 2 submissions from 2 submitters: Uncertain significance (2). Last evaluated 2020-05-11.

Allele frequency attached by ClinVar (database versions not stated): TOPMed 0.00001.

Submissions (2):

GeneDx
Classification: Uncertain significance. Last evaluated: 2020-05-11. Review status: criteria provided, single submitter. Criteria: GeneDx Variant Classification Process June 2021. Collection method: clinical testing. Allele origin: germline. Affected: yes.
Comment: Not observed in large population cohorts (Lek et al., 2016); In silico analysis supports that this missense variant does not alter protein structure/function; Has not been previously published as pathogenic or benign to our knowledge

Blueprint Genetics
Classification: Uncertain significance. Last evaluated: 2019-01-04. Review status: criteria provided, single submitter. Criteria: ACMG Guidelines, 2015. Collection method: clinical testing. Allele origin: germline.

NM_003611.3(OFD1):c.1684A>C (p.Lys562Gln)

Gene: OFD1 (OFD1 centriole and centriolar satellite protein; plus strand). Cytogenetic location: Xp22.2.
Variant type: single nucleotide variant.
Coding change: c.1684A>C on transcript NM_003611.3 (MANE Select); coding-DNA position 1684, A replaced by C.
Protein change: p.Lys562Gln; replaces lysine 562 with glutamine.
Molecular consequence: missense variant.
Genome position (GRCh38, 1-based): chrX:13,760,144, A>C. VCF-style: chrX-13760144-A-C. GRCh37 (hg19) VCF-style: chrX-13778263-A-C.
Other names: c.1564A>C, p.Lys522Gln (NM_001330209.2); c.1264A>C, p.Lys422Gln (NM_001330210.2); short protein forms K422Q, K522Q, K562Q.
Identifiers: ClinVar variation 865845 (VCV000865845.4), dbSNP rs1316461983, ClinGen allele CA412343596.